The following is an entry in ClinVar:

ClinVar aggregate classification (germline): Uncertain significance (1 of 4 stars; one submission).

Conditions:
Hereditary cancer-predisposing syndrome. Also called: Tumor predisposition; Hereditary Cancer Syndrome; Neoplastic Syndromes, Hereditary; Hereditary neoplastic syndrome. Identifiers: Orphanet 140162, MedGen C0027672, MeSH D009386, MONDO:0015356.

Submission:

Ambry Genetics
Classification: Uncertain significance for Hereditary cancer-predisposing syndrome. Last evaluated: 2021-09-07. Review status: criteria provided, single submitter. Criteria: Ambry Variant Classification Scheme 2023. Collection method: clinical testing. Allele origin: germline.
Comment: The p.P868L variant (also known as c.2603C>T), located in coding exon 17 of the CTNNA1 gene, results from a C to T substitution at nucleotide position 2603. The proline at codon 868 is replaced by leucine, an amino acid with similar properties. This amino acid position is conserved. In addition, the in silico prediction for this alteration is inconclusive. Since supporting evidence is limited at this time, the clinical significance of this alteration remains unclear.

NM_001903.5(CTNNA1):c.2603C>T (p.Pro868Leu)

Gene: CTNNA1 (catenin alpha 1; plus strand). Cytogenetic location: 5q31.2.
Variant type: single nucleotide variant.
Coding change: c.2603C>T on transcript NM_001903.5 (MANE Select); coding-DNA position 2603, C replaced by T.
Protein change: p.Pro868Leu; replaces proline 868 with leucine.
Molecular consequence: missense variant. On other transcripts: 3 prime UTR variant (5).
Genome position (GRCh38, 1-based): chr5:138,933,971, C>T. VCF-style: chr5-138933971-C-T. GRCh37 (hg19) VCF-style: chr5-138269660-C-T.
Other names: c.*148C>T (NM_001290307.3, NM_001324002.1, NM_001324003.1 and 2 more transcripts); c.2294C>T, p.Pro765Leu (NM_001290309.3); c.2234C>T, p.Pro745Leu (NM_001290310.3); c.1493C>T, p.Pro498Leu (NM_001290312.1, NM_001323987.1, NM_001323988.1 and 12 more transcripts); c.2603C>T, p.Pro868Leu (NM_001323982.2, NM_001323983.1, NM_001323984.2); c.2576C>T, p.Pro859Leu (NM_001323985.2); c.2510C>T, p.Pro837Leu (NM_001323986.2); c.1358C>T, p.Pro453Leu (NM_001324001.1); and 3 more; short protein forms P467L, P859L, P385L, P453L, P745L, P417L, P765L, P498L.
Identifiers: ClinVar variation 1793701 (VCV001793701.2), dbSNP rs2533953829, ClinGen allele CA361135583.